The following is an entry in ClinVar:

ClinVar aggregate classification (germline): Conflicting classifications of pathogenicity. Review status: criteria provided, conflicting classifications (1 of 4 stars). 2 submissions from 2 submitters: Uncertain significance (1); Likely benign (1). Last evaluated 2023-03-23.

Conditions:
Hereditary cancer-predisposing syndrome. Also called: Neoplastic Syndromes, Hereditary; Hereditary Cancer Syndrome; Tumor predisposition; Hereditary neoplastic syndrome. Identifiers: Orphanet 140162, MedGen C0027672, MeSH D009386, MONDO:0015356.
Hereditary breast ovarian cancer syndrome. Also called: Hereditary breast and ovarian cancer syndrome; Hereditary breast and ovarian cancer; Hereditary breast and ovarian cancer syndrome (HBOC); Breast and ovarian cancer; BRCA1- and BRCA2-Associated Hereditary Breast and Ovarian Cancer; Hereditary breast and/or ovarian cancer syndrome. Identifiers: Orphanet 145, MedGen C0677776, MeSH D061325, MONDO:0003582. Disease mechanism: loss of function.

Submissions (2):

University of Washington Department of Laboratory Medicine, University of Washington
Classification: Likely benign for Hereditary cancer-predisposing syndrome. Last evaluated: 2023-03-23. Review status: criteria provided, single submitter. Criteria: Dines et al. (Genet Med. 2020). Collection method: curation. Allele origin: germline.
Comment: Missense variant in a coldspot region where missense variants are very unlikely to be pathogenic (PMID:31911673).

BRCA2 exon 11 coldspot. Reclassification based on statistical prior probability.

Labcorp Genetics (formerly Invitae), Labcorp
Classification: Uncertain significance for Hereditary breast ovarian cancer syndrome. Last evaluated: 2022-08-24. Review status: criteria provided, single submitter. Criteria: Invitae Variant Classification Sherloc (09022015). Collection method: clinical testing. Allele origin: germline.
Comment: In summary, the available evidence is currently insufficient to determine the role of this variant in disease. Therefore, it has been classified as a Variant of Uncertain Significance. Advanced modeling of protein sequence and biophysical properties (such as structural, functional, and spatial information, amino acid conservation, physicochemical variation, residue mobility, and thermodynamic stability) performed at Invitae indicates that this missense variant is not expected to disrupt BRCA2 protein function. This variant has not been reported in the literature in individuals affected with BRCA2-related conditions. This variant is not present in population databases (gnomAD no frequency). This sequence change replaces asparagine, which is neutral and polar, with serine, which is neutral and polar, at codon 801 of the BRCA2 protein (p.Asn801Ser).

NM_000059.4(BRCA2):c.2402A>G (p.Asn801Ser)

Gene: BRCA2 (BRCA2 DNA repair associated; plus strand). Cytogenetic location: 13q13.1.
Variant type: single nucleotide variant.
Coding change: c.2402A>G on transcript NM_000059.4 (MANE Select); coding-DNA position 2402, A replaced by G.
Protein change: p.Asn801Ser; replaces asparagine 801 with serine.
Molecular consequence: missense variant.
Genome position (GRCh38, 1-based): chr13:32,336,757, A>G. VCF-style: chr13-32336757-A-G. GRCh37 (hg19) VCF-style: chr13-32910894-A-G.
Other names: c.2402A>G, p.Asn801Ser (NM_001406719.1, NM_001406720.1); short protein forms N801S.
Identifiers: ClinVar variation 2155388 (VCV002155388.6), dbSNP rs2137486090, ClinGen allele CA387771976.